The following is an entry in ClinVar:

ClinVar aggregate classification (germline): Benign/Likely benign. Review status: criteria provided, multiple submitters, no conflicts (2 of 4 stars). 6 submissions from 6 submitters: Benign (1); Likely benign (5). Last evaluated 2025-12-10.

Conditions:
Familial cancer of breast. Also called: BREAST CANCER, FAMILIAL; hereditary breast carcinoma; Hereditary breast cancer. Identifiers: Orphanet 227535, MedGen C0346153, MONDO:0016419, OMIM 114480. Disease mechanism: loss of function.
Fanconi anemia complementation group J. Also called: BRIP1-Related Fanconi Anemia. Identifiers: Orphanet 84, MedGen C1836860, MONDO:0012187, OMIM 609054.
Hereditary cancer-predisposing syndrome. Also called: Neoplastic Syndromes, Hereditary; Hereditary neoplastic syndrome; Tumor predisposition; Hereditary Cancer Syndrome. Identifiers: Orphanet 140162, MedGen C0027672, MeSH D009386, MONDO:0015356.

Allele frequency attached by ClinVar (database versions not stated): gnomAD exomes below 0.00001 and 0.00003; TOPMed below 0.00001.
gnomAD v4.1: 37 of 1,614,240 alleles (0.0023%); highest among the groups gnomAD compares: Non-Finnish European, 0.0031%; no homozygotes.

Submissions (6):

Labcorp Genetics (formerly Invitae), Labcorp
Classification: Likely benign for Familial cancer of breast; Fanconi anemia complementation group J. Last evaluated: 2025-12-10. Review status: criteria provided, single submitter. Criteria: Invitae Variant Classification Sherloc (09022015). Collection method: clinical testing. Allele origin: germline.

Myriad Genetics, Inc.
Classification: Benign for Familial cancer of breast. Last evaluated: 2024-08-29. Review status: criteria provided, single submitter. Criteria: Myriad Autosomal Dominant, Autosomal Recessive and X-Linked Classification Criteria (2023). Collection method: clinical testing. Allele origin: unknown.
Comment: This variant is considered benign. This variant is a silent/synonymous amino acid change and it is not expected to impact splicing.

Quest Diagnostics Nichols Institute San Juan Capistrano
Classification: Likely benign. Last evaluated: 2018-11-09. Review status: criteria provided, single submitter. Criteria: Quest Diagnostics criteria. Collection method: clinical testing. Allele origin: germline.

Color Diagnostics, LLC DBA Color Health
Classification: Likely benign for Hereditary cancer-predisposing syndrome. Last evaluated: 2017-05-09. Review status: criteria provided, single submitter. Criteria: ACMG Guidelines, 2015. Collection method: clinical testing. Allele origin: germline.

GeneDx
Classification: Likely benign. Last evaluated: 2016-09-30. Review status: criteria provided, single submitter. Criteria: GeneDx Variant Classification (06012015). Collection method: clinical testing. Allele origin: germline. Affected: yes.
Comment: This variant is considered likely benign or benign based on one or more of the following criteria: it is a conservative change, it occurs at a poorly conserved position in the protein, it is predicted to be benign by multiple in silico algorithms, and/or has population frequency not consistent with disease.

Ambry Genetics
Classification: Likely benign for Hereditary cancer-predisposing syndrome. Last evaluated: 2015-11-04. Review status: criteria provided, single submitter. Criteria: Ambry Variant Classification Scheme 2023. Collection method: clinical testing. Allele origin: germline.

NM_032043.3(BRIP1):c.1773T>C (p.Phe591=)

Gene: BRIP1 (BRCA1 interacting DNA helicase 1; minus strand). Cytogenetic location: 17q23.2.
Variant type: single nucleotide variant.
Coding change: c.1773T>C on transcript NM_032043.3 (MANE Select); coding-DNA position 1773, T replaced by C.
Protein change: p.Phe591=; no amino-acid change (phenylalanine 591 retained).
Molecular consequence: synonymous variant.
Genome position (GRCh38, 1-based): chr17:61,780,861, A>G on the plus strand (T>C on the coding strand, the complement: BRIP1 is on the minus strand). VCF-style: chr17-61780861-A-G. GRCh37 (hg19) VCF-style: chr17-59858222-A-G.
Identifiers: ClinVar variation 389676 (VCV000389676.22), dbSNP rs1057523507, ClinGen allele CA16607752.